The following is an entry in ClinVar:

ClinVar aggregate classification (germline): Benign/Likely benign. Review status: criteria provided, multiple submitters, no conflicts (2 of 4 stars). 8 submissions from 8 submitters: Benign (5); Likely benign (3). Last evaluated 2026-05-11.

Conditions:
Connective tissue disorder. Also called: Connective tissue disease. Identifiers: MedGen C0009782, MONDO:0003900.

Allele frequency attached by ClinVar (database versions not stated): gnomAD exomes 0.00174; ExAC 0.00387; 1000 Genomes Project 0.00519; gnomAD 0.00631; 1000 Genomes Project 30x 0.00640; ESP Exome Variant Server 0.00698; TOPMed 0.00729.
gnomAD v4.1: 2,041 of 1,550,918 alleles (0.13%); highest among the groups gnomAD compares: African/African-American, 2.3%; 22 homozygotes.

Submissions (8):

Women's Health and Genetics/Laboratory Corporation of America, LabCorp
Classification: Likely benign. Last evaluated: 2026-05-11. Review status: criteria provided, single submitter. Criteria: LabCorp Variant Classification Summary - May 2015. Collection method: clinical testing. Allele origin: germline.

Labcorp Genetics (formerly Invitae), Labcorp
Classification: Benign. Last evaluated: 2026-01-29. Review status: criteria provided, single submitter. Criteria: Invitae Variant Classification Sherloc (09022015). Collection method: clinical testing. Allele origin: germline.

Mayo Clinic Laboratories, Mayo Clinic
Classification: Benign. Last evaluated: 2025-03-21. Review status: criteria provided, single submitter. Criteria: ACMG Guidelines, 2015. Collection method: clinical testing. Allele origin: germline. Observed: 1 variant allele.
Comment: BA1, BS2

Blueprint Genetics
Classification: Likely benign. Last evaluated: 2024-11-06. Review status: criteria provided, single submitter. Criteria: ACMG Guidelines, 2015. Collection method: clinical testing. Allele origin: germline.

Genome Diagnostics Laboratory, The Hospital for Sick Children
Classification: Likely benign for Connective tissue disorder. Last evaluated: 2020-05-01. Review status: criteria provided, single submitter. Criteria: ACMG Guidelines, 2015. Collection method: clinical testing. Allele origin: germline.

GeneDx
Classification: Benign. Last evaluated: 2019-05-30. Review status: criteria provided, single submitter. Criteria: GeneDx Variant Classification Process June 2021. Collection method: clinical testing. Allele origin: germline. Affected: yes.

Breakthrough Genomics
Classification: Benign. Review status: criteria provided, single submitter. Criteria: ACMG Guidelines, 2015. Collection method: not provided. Allele origin: germline. Inheritance: Autosomal recessive inheritance. Affected: yes.

PreventionGenetics, part of Exact Sciences
Classification: Benign. Review status: criteria provided, single submitter. Criteria: ACMG Guidelines, 2015. Collection method: clinical testing. Allele origin: germline.

NM_001852.4(COL9A2):c.1150A>C (p.Met384Leu)

Gene: COL9A2 (collagen type IX alpha 2 chain; minus strand). Cytogenetic location: 1p34.2.
Variant type: single nucleotide variant.
Coding change: c.1150A>C on transcript NM_001852.4 (MANE Select); coding-DNA position 1150, A replaced by C.
Protein change: p.Met384Leu; replaces methionine 384 with leucine.
Molecular consequence: missense variant.
Genome position (GRCh38, 1-based): chr1:40,304,805, T>G on the plus strand (A>C on the coding strand, the complement: COL9A2 is on the minus strand). VCF-style: chr1-40304805-T-G. GRCh37 (hg19) VCF-style: chr1-40770477-T-G.
Other names: p.Met384Leu; short protein forms M384L.
Identifiers: ClinVar variation 258366 (VCV000258366.20), dbSNP rs145327896, ClinGen allele CA791572.
Genomic context (GRCh38, chr1:40,304,805, plus strand): 5'-CAGCTGCCGCAGAGGCCCCCGGGGAGGGGCCATTGTGCCAGGCACTTACCTTCTGTCCCA[T>G]GATGCCCTGGGGACCAATTTCTCCTCGAGGCCCTGGCTCTCCCTGGAGGAAGGAGAAATT-3'
Protein context (NP_001843.1, residues 374-394): PRGEIGPQGI[Met384Leu]GQKGDQGERG